The following is an entry in ClinVar:

ClinVar aggregate classification (germline): Uncertain significance (1 of 4 stars; one submission).

Conditions:
Tietz syndrome (TADS). Also called: ALBINISM-DEAFNESS OF TIETZ; HYPOPIGMENTATION/DEAFNESS OF TIETZ; TIETZ ALBINISM-DEAFNESS SYNDROME. Identifiers: Orphanet 42665, MedGen C0391816, MONDO:0007077, OMIM 103500.
Waardenburg syndrome type 2A (WS2A). Also called: WAARDENBURG SYNDROME WITHOUT DYSTOPIA CANTHORUM. Identifiers: Orphanet 3440, MedGen C1860339, MONDO:0008671, OMIM 193510.
Melanoma, cutaneous malignant, susceptibility to, 8. Also called: MELANOMA AND RENAL CELL CARCINOMA, SUSCEPTIBILITY TO; Cutaneous malignant melanoma 8. Identifiers: Orphanet 293822, MedGen C3152204, MONDO:0013759, OMIM 614456.

Submission:

Labcorp Genetics (formerly Invitae), Labcorp
Classification: Uncertain significance for Melanoma, cutaneous malignant, susceptibility to, 8; Waardenburg syndrome type 2A; Tietz syndrome. Last evaluated: 2023-11-27. Review status: criteria provided, single submitter. Criteria: Invitae Variant Classification Sherloc (09022015). Collection method: clinical testing. Allele origin: germline.
Comment: This sequence change replaces threonine, which is neutral and polar, with serine, which is neutral and polar, at codon 358 of the MITF protein (p.Thr358Ser). This variant is not present in population databases (gnomAD no frequency). This variant has not been reported in the literature in individuals affected with MITF-related conditions. ClinVar contains an entry for this variant (Variation ID: 1720320). Advanced modeling of protein sequence and biophysical properties (such as structural, functional, and spatial information, amino acid conservation, physicochemical variation, residue mobility, and thermodynamic stability) performed at Invitae indicates that this missense variant is not expected to disrupt MITF protein function with a negative predictive value of 80%. In summary, the available evidence is currently insufficient to determine the role of this variant in disease. Therefore, it has been classified as a Variant of Uncertain Significance.

NM_001354604.2(MITF):c.1393A>T (p.Thr465Ser)

Gene: MITF (melanocyte inducing transcription factor; plus strand). Cytogenetic location: 3p13.
Variant type: single nucleotide variant.
Coding change: c.1393A>T on transcript NM_001354604.2 (MANE Select); coding-DNA position 1393, A replaced by T.
Protein change: p.Thr465Ser; replaces threonine 465 with serine.
Molecular consequence: missense variant.
Genome position (GRCh38, 1-based): chr3:69,965,060, A>T. VCF-style: chr3-69965060-A-T. GRCh37 (hg19) VCF-style: chr3-70014211-A-T.
Other names: c.1072A>T, p.Thr358Ser (NM_000248.4); c.1219A>T, p.Thr407Ser (NM_001184967.2, NM_001354608.2); c.1390A>T, p.Thr464Ser (NM_001354605.2); c.1372A>T, p.Thr458Ser (NM_001354606.2, NM_006722.3); c.1324A>T, p.Thr442Ser (NM_001354607.2); c.1054A>T, p.Thr352Ser (NM_198158.3); c.1375A>T, p.Thr459Ser (NM_198159.3); c.1327A>T, p.Thr443Ser (NM_198177.3); and 1 more; short protein forms T296S, T352S, T358S, T407S, T442S, T443S, T458S, T459S.
Identifiers: ClinVar variation 1720320 (VCV001720320.5), dbSNP rs2471672771, ClinGen allele CA353559751.